The following is an entry in ClinVar:

ClinVar aggregate classification (germline): Uncertain significance. Review status: criteria provided, single submitter (1 of 4 stars). 2 submissions from 2 submitters: Uncertain significance (1). 1 of the submissions does not count toward it. Last evaluated 2025-03-31.

Conditions:
UNC80-related disorder. Also called: UNC80-related condition.

Allele frequency attached by ClinVar (database versions not stated): gnomAD exomes 0.00001; TOPMed 0.00003; gnomAD 0.00004 and 0.00005; ExAC 0.00005; ESP Exome Variant Server 0.00022.
gnomAD v4.1: 25 of 1,551,010 alleles (0.0016%); highest among the groups gnomAD compares: African/African-American, 0.0055%; no homozygotes.

Submissions (2):

Labcorp Genetics (formerly Invitae), Labcorp
Classification: Uncertain significance. Last evaluated: 2025-03-31. Review status: criteria provided, single submitter. Criteria: Invitae Variant Classification Sherloc (09022015). Collection method: clinical testing. Allele origin: germline.
Comment: This sequence change replaces proline, which is neutral and non-polar, with leucine, which is neutral and non-polar, at codon 872 of the UNC80 protein (p.Pro872Leu). This variant is present in population databases (rs368223888, gnomAD 0.01%). This missense change has been observed in individual(s) with clinical features of UNC80-related conditions (PMID: 28191889). ClinVar contains an entry for this variant (Variation ID: 1514454). An algorithm developed to predict the effect of missense changes on protein structure and function (PolyPhen-2) suggests that this variant is likely to be disruptive. In summary, the available evidence is currently insufficient to determine the role of this variant in disease. Therefore, it has been classified as a Variant of Uncertain Significance.

PreventionGenetics, part of Exact Sciences
Classification: Uncertain significance for UNC80-related condition. Last evaluated: 2023-11-16. Review status: no assertion criteria provided. Collection method: clinical testing. Allele origin: germline. Not counted in ClinVar's aggregate classification.
Comment: The UNC80 c.2615C>T variant is predicted to result in the amino acid substitution p.Pro872Leu. To our knowledge, this variant has not been reported in the literature in a patient with an UNC80-associated phenotype. This variant is reported in 0.012% of alleles in individuals of African descent in gnomAD. At this time, the clinical significance of this variant is uncertain due to the absence of conclusive functional and genetic evidence.

Literature cited by the submitters: PubMed 28191889 (cited by Labcorp Genetics (formerly Invitae), Labcorp).

NM_001371986.1(UNC80):c.2615C>T (p.Pro872Leu)

Gene: UNC80 (unc-80 subunit of NALCN channel complex; plus strand). Cytogenetic location: 2q34.
Variant type: single nucleotide variant.
Coding change: c.2615C>T on transcript NM_001371986.1 (MANE Select); coding-DNA position 2615, C replaced by T.
Protein change: p.Pro872Leu; replaces proline 872 with leucine.
Molecular consequence: missense variant.
Genome position (GRCh38, 1-based): chr2:209,829,368, C>T. VCF-style: chr2-209829368-C-T. GRCh37 (hg19) VCF-style: chr2-210694092-C-T.
Other names: c.2615C>T (NM_032504.1); c.2615C>T, p.Pro872Leu (NM_032504.2); c.2600C>T, p.Pro867Leu (NM_182587.4); short protein forms P867L, P872L.
Identifiers: ClinVar variation 1514454 (VCV001514454.10), dbSNP rs368223888, ClinGen allele CA2083035.